The following is an entry in ClinVar:

NM_001378452.1(ITPR1):c.438C>T (p.Ala146=)

Gene: ITPR1 (inositol 1,4,5-trisphosphate receptor type 1; plus strand). Cytogenetic location: 3p26.1.
Variant type: single nucleotide variant.
Coding change: c.438C>T on transcript NM_001378452.1 (MANE Select); coding-DNA position 438, C replaced by T.
Protein change: p.Ala146=; no amino-acid change (alanine 146 retained).
Molecular consequence: synonymous variant.
Genome position (GRCh38, 1-based): chr3:4,642,164, C>T. VCF-style: chr3-4642164-C-T. GRCh37 (hg19) VCF-style: chr3-4683848-C-T.
Other names: p.Ala146=; c.438C>T (NM_002222.6); c.438C>T, p.Ala146= (NM_001099952.4, NM_001168272.2, NM_002222.7).
Identifiers: ClinVar variation 345562 (VCV000345562.20), dbSNP rs61741506, ClinGen allele CA2230866.

ClinVar aggregate classification (germline): Benign. Review status: criteria provided, multiple submitters, no conflicts (2 of 4 stars). 6 submissions from 6 submitters: Benign (6). Last evaluated 2026-01-28.

Conditions:
Autosomal dominant cerebellar ataxia. Also called: Spinocerebellar Ataxia, Dominant. Identifiers: Orphanet 99, MedGen C4087347, MONDO:0020380.

Allele frequency attached by ClinVar (database versions not stated): gnomAD exomes 0.00105 and 0.00257; ExAC 0.00317; 1000 Genomes Project 30x 0.00953; 1000 Genomes Project 0.00958; ESP Exome Variant Server 0.01044; gnomAD 0.01052 and 0.01135; TOPMed 0.01186.
gnomAD v4.1: 3,193 of 1,608,226 alleles (0.2%); highest among the groups gnomAD compares: African/African-American, 3.7%; 53 homozygotes.

Submissions (6):

Labcorp Genetics (formerly Invitae), Labcorp
Classification: Benign. Last evaluated: 2026-01-28. Review status: criteria provided, single submitter. Criteria: Invitae Variant Classification Sherloc (09022015). Collection method: clinical testing. Allele origin: germline.

Mayo Clinic Laboratories, Mayo Clinic
Classification: Benign. Last evaluated: 2024-08-21. Review status: criteria provided, single submitter. Criteria: ACMG Guidelines, 2015. Collection method: clinical testing. Allele origin: germline. Observed: 4 variant alleles.
Comment: BS1, BS2, BP4, BP7

Athena Diagnostics
Classification: Benign. Last evaluated: 2024-03-13. Review status: criteria provided, single submitter. Criteria: Athena Diagnostics Criteria. Collection method: clinical testing. Allele origin: unknown.

GeneDx
Classification: Benign. Last evaluated: 2018-12-13. Review status: criteria provided, single submitter. Criteria: GeneDx Variant Classification Process June 2021. Collection method: clinical testing. Allele origin: germline. Affected: yes.

Illumina Laboratory Services, Illumina
Classification: Benign for Spinocerebellar Ataxia, Dominant. Last evaluated: 2018-01-13. Review status: criteria provided, single submitter. Criteria: ICSL Variant Classification Criteria 13 December 2019. Collection method: clinical testing. Allele origin: germline.
Comment: This variant was observed in the ICSL laboratory as part of a predisposition screen in an ostensibly healthy population. It had not been previously curated by ICSL or reported in the Human Gene Mutation Database (HGMD: prior to June 1st, 2018), and was therefore a candidate for classification through an automated scoring system. Utilizing variant allele frequency, disease prevalence and penetrance estimates, and inheritance mode, an automated score was calculated to assess if this variant is too frequent to cause the disease. Based on the score and internal cut-off values, a variant classified as benign is not then subjected to further curation. The score for this variant resulted in a classification of benign for this disease.

Breakthrough Genomics
Classification: Benign. Review status: criteria provided, single submitter. Criteria: ACMG Guidelines, 2015. Collection method: not provided. Allele origin: germline. Inheritance: Autosomal dominant inheritance. Affected: yes.